The following is an entry in ClinVar:

NM_020738.4(KIDINS220):c.3271G>T (p.Ala1091Ser)

Gene: KIDINS220 (kinase D interacting substrate 220; minus strand). Cytogenetic location: 2p25.1.
Variant type: single nucleotide variant.
Coding change: c.3271G>T on transcript NM_020738.4 (MANE Select); coding-DNA position 3271, G replaced by T.
Protein change: p.Ala1091Ser; replaces alanine 1091 with serine.
Molecular consequence: missense variant. On other transcripts: non-coding transcript variant (2).
Genome position (GRCh38, 1-based): chr2:8,750,255, C>A on the plus strand (G>T on the coding strand, the complement: KIDINS220 is on the minus strand). VCF-style: chr2-8750255-C-A. GRCh37 (hg19) VCF-style: chr2-8890385-C-A.
Other names: c.3274G>T, p.Ala1092Ser (NM_001348729.2, NM_001348731.2, NM_001348734.2 and 2 more transcripts); c.3271G>T, p.Ala1091Ser (NM_001348732.2, NM_001348735.2, NM_001348738.2 and 3 more transcripts); c.3145G>T, p.Ala1049Ser (NM_001348736.2); c.3271G>T (NM_020738.2); short protein forms A1091S, A1049S, A1092S.
Identifiers: ClinVar variation 1466395 (VCV001466395.34), dbSNP rs199962701, ClinGen allele CA1519714.

ClinVar aggregate classification (germline): Conflicting classifications of pathogenicity. Review status: criteria provided, conflicting classifications (1 of 4 stars). 4 submissions from 4 submitters: Uncertain significance (2); Likely benign (2). Last evaluated 2026-01-01.

Conditions:
KIDINS220-related disorder. Also called: KIDINS220-related condition.
Inborn genetic diseases. Identifiers: MedGen C0950123, MeSH D030342.

Allele frequency attached by ClinVar (database versions not stated): ExAC 0.00016; gnomAD exomes 0.00021 and 0.00039; ESP Exome Variant Server 0.00024; TOPMed 0.00026; gnomAD 0.00032 and 0.00034.
gnomAD v4.1: 608 of 1,613,826 alleles (0.038%); highest among the groups gnomAD compares: Non-Finnish European, 0.049%; no homozygotes.

Submissions (4):

CeGaT Center for Human Genetics Tuebingen
Classification: Uncertain significance. Last evaluated: 2026-01-01. Review status: criteria provided, single submitter. Criteria: CeGaT Center For Human Genetics Tuebingen Variant Classification Criteria Version 2. Collection method: clinical testing. Allele origin: germline. Affected: yes. Observed: 2 variant alleles.
Comment: KIDINS220: PM2, BP4

PreventionGenetics, part of Exact Sciences
Classification: Likely benign for KIDINS220-related condition. Last evaluated: 2025-11-12. Review status: criteria provided, single submitter. Criteria: ACMG Guidelines, 2015. Collection method: clinical testing. Allele origin: germline.
Comment: This variant is classified as likely benign based on ACMG/AMP sequence variant interpretation guidelines (Richards et al. 2015 PMID: 25741868, with internal and published modifications).

Labcorp Genetics (formerly Invitae), Labcorp
Classification: Uncertain significance. Last evaluated: 2025-10-11. Review status: criteria provided, single submitter. Criteria: Invitae Variant Classification Sherloc (09022015). Collection method: clinical testing. Allele origin: germline.
Comment: This sequence change replaces alanine, which is neutral and non-polar, with serine, which is neutral and polar, at codon 1091 of the KIDINS220 protein (p.Ala1091Ser). This variant is present in population databases (rs199962701, gnomAD 0.04%). This variant has not been reported in the literature in individuals affected with KIDINS220-related conditions. ClinVar contains an entry for this variant (Variation ID: 1466395). An algorithm developed to predict the effect of missense changes on protein structure and function (PolyPhen-2) suggests that this variant is likely to be tolerated. In summary, the available evidence is currently insufficient to determine the role of this variant in disease. Therefore, it has been classified as a Variant of Uncertain Significance.

Ambry Genetics
Classification: Likely benign for Inborn genetic diseases. Last evaluated: 2022-03-11. Review status: criteria provided, single submitter. Criteria: Ambry Variant Classification Scheme 2023. Collection method: clinical testing. Allele origin: germline.